The following is an entry in ClinVar:

ClinVar aggregate classification (germline): Pathogenic (1 of 4 stars; one submission).

Submission:

Athena Diagnostics
Classification: Pathogenic. Last evaluated: 2020-07-16. Review status: criteria provided, single submitter. Criteria: Athena Diagnostics Criteria. Collection method: clinical testing. Allele origin: unknown.
Comment: The variant results in a shift of the reading frame, and is therefore predicted to result in the loss of a functional protein. Found in at least one patient with expected phenotype for this gene, and not found in general population data.

NM_001009944.3(PKD1):c.9729dup (p.Arg3244fs)

Gene: PKD1 (polycystin 1, transient receptor potential channel interacting; minus strand). Cytogenetic location: 16p13.3.
Variant type: Duplication.
Coding change: c.9729dup on transcript NM_001009944.3 (MANE Select); coding-DNA position 9729, one base duplicated (G; older notation c.9729dupG).
Protein change: p.Arg3244fs; shifts the reading frame from arginine 3244.
Molecular consequence: frameshift variant.
Genome position (GRCh38, 1-based): chr16:2,100,055, C duplicated on the plus strand (G on the coding strand, the reverse complement: PKD1 is on the minus strand). VCF-style (leftmost placement, unchanged base first): chr16-2100054-G-GC. GRCh37 (hg19) VCF-style: chr16-2150055-G-GC.
Other names: c.9729dup, p.Arg3244fs (NM_000296.4); short protein forms R3244fs.
Identifiers: ClinVar variation 994720 (VCV000994720.1), dbSNP rs2092027387, ClinGen allele CA1139664433.